The following is an entry in ClinVar:

NM_177550.5(SLC13A5):c.1487_1502del (p.Leu496fs)

Gene: SLC13A5 (solute carrier family 13 member 5; minus strand). Cytogenetic location: 17p13.1.
Variant type: Deletion.
Coding change: c.1487_1502del on transcript NM_177550.5 (MANE Select); coding-DNA positions 1487 to 1502, 16 bases deleted (TGAGTGCCTCCTTTGC).
Protein change: p.Leu496fs; shifts the reading frame from leucine 496.
Molecular consequence: frameshift variant. On other transcripts: intron variant (1).
Genome position (GRCh38, 1-based): chr17:6,687,602-6,687,617, GCAAAGGAGGCACTCA deleted on the plus strand (TGAGTGCCTCCTTTGC on the coding strand, the reverse complement: SLC13A5 is on the minus strand); deleting any 16 consecutive bases within chr17:6,687,602-6,687,618 gives the same sequence; the c. name uses the placement nearest the transcript's 3' end. VCF-style (leftmost placement, unchanged base first): chr17-6687601-GGCAAAGGAGGCACTCA-G. GRCh37 (hg19) VCF-style: chr17-6590920-GGCAAAGGAGGCACTCA-G.
Other names: c.1436_1451del, p.Leu479fs (NM_001284509.2); c.1358_1373del, p.Leu453fs (NM_001284510.2); c.1438-1279_1438-1264del (NM_001143838.3); short protein forms L496fs, L479fs, L453fs.
Identifiers: ClinVar variation 4719971 (VCV004719971.1).

ClinVar aggregate classification (germline): Pathogenic (1 of 4 stars; one submission).

Conditions:
Developmental and epileptic encephalopathy, 25 (DEE25). Also called: Developmental and epileptic encephalopathy 25, with amelogenesis imperfecta; Epileptic encephalopathy, early infantile, 25, with amelogenesis imperfecta; Epileptic encephalopathy, early infantile, 25. Identifiers: Orphanet 442835, MedGen C4014621, MONDO:0014392, OMIM 615905.

Submission:

Labcorp Genetics (formerly Invitae), Labcorp
Classification: Pathogenic for Developmental and epileptic encephalopathy, 25. Last evaluated: 2025-10-17. Review status: criteria provided, single submitter. Criteria: Invitae Variant Classification Sherloc (09022015). Collection method: clinical testing. Allele origin: germline.
Comment: This sequence change creates a premature translational stop signal (p.Leu496Profs*26) in the SLC13A5 gene. While this is not anticipated to result in nonsense mediated decay, it is expected to disrupt the last 73 amino acid(s) of the SLC13A5 protein. This variant is not present in population databases (gnomAD no frequency). This variant has not been reported in the literature in individuals affected with SLC13A5-related conditions. This variant disrupts a region of the SLC13A5 protein in which other variant(s) (p.Pro505Leu) have been determined to be pathogenic (PMID: 31780880; internal data). This suggests that this is a clinically significant region of the protein, and that variants that disrupt it are likely to be disease-causing. For these reasons, this variant has been classified as Pathogenic.

Literature cited by the submitters: PubMed 31780880.